The following is an entry in ClinVar:

ClinVar aggregate classification (germline): Uncertain significance. Review status: criteria provided, multiple submitters, no conflicts (2 of 4 stars). 2 submissions from 2 submitters: Uncertain significance (2). Last evaluated 2024-06-09.

Conditions:
Kabuki syndrome 2 (KABUK2). Also called: KDM6A-Related Kabuki Syndrome. Identifiers: Orphanet 2322, MedGen C3275495, MONDO:0010465, OMIM 300867.

Submissions (2):

Laboratorio de Genetica e Diagnostico Molecular, Hospital Israelita Albert Einstein
Classification: Uncertain significance for Kabuki syndrome 2. Last evaluated: 2024-06-09. Review status: criteria provided, single submitter. Criteria: ACMG Guidelines, 2015. Collection method: clinical testing. Allele origin: germline. Affected: yes.
Comment: ACMG classification criteria: PM2 supporting, BP4 supporting

GeneDx
Classification: Uncertain significance. Last evaluated: 2022-08-18. Review status: criteria provided, single submitter. Criteria: GeneDx Variant Classification Process June 2021. Collection method: clinical testing. Allele origin: germline. Affected: yes.
Comment: Not observed at significant frequency in large population cohorts (gnomAD); In silico analysis supports that this missense variant does not alter protein structure/function; Has not been previously published as pathogenic or benign to our knowledge

NM_001291415.2(KDM6A):c.1514A>G (p.His505Arg)

Gene: KDM6A (lysine demethylase 6A; plus strand). Cytogenetic location: Xp11.3.
Variant type: single nucleotide variant.
Coding change: c.1514A>G on transcript NM_001291415.2 (MANE Select); coding-DNA position 1514, A replaced by G.
Protein change: p.His505Arg; replaces histidine 505 with arginine.
Molecular consequence: missense variant. On other transcripts: non-coding transcript variant (1).
Genome position (GRCh38, 1-based): chrX:45,061,352, A>G. VCF-style: chrX-45061352-A-G. GRCh37 (hg19) VCF-style: chrX-44920597-A-G.
Other names: c.1379A>G, p.His460Arg (NM_001291416.2); c.1223A>G, p.His408Arg (NM_001291417.2, NM_001291418.2); c.470A>G, p.His157Arg (NM_001291421.2); c.1358A>G, p.His453Arg (NM_001410742.1, NM_021140.4); short protein forms H157R, H408R, H453R, H460R, H505R.
Identifiers: ClinVar variation 2430709 (VCV002430709.2), dbSNP rs146282862, ClinGen allele CA412784839.